The following is an entry in ClinVar:

ClinVar aggregate classification (germline): Uncertain significance (1 of 4 stars; one submission).

Conditions:
BCHE-related disorder. Also called: BCHE-related condition.

Submission:

PreventionGenetics, part of Exact Sciences
Classification: Uncertain significance for BCHE-related condition. Last evaluated: 2025-03-26. Review status: criteria provided, single submitter. Criteria: ACMG Guidelines, 2015. Collection method: clinical testing. Allele origin: germline.
Comment: The BCHE c.1386G>T variant is predicted to result in the amino acid substitution p.Met462Ile. This variant has been reported in the compound heterozygous state with p.Ala567Thr and p.Asp98Gly in an individual that experienced prolonged duration of action of succinylcholine during anesthesia (Wichmann et al. 2016. PubMed ID: 27031121). The authors of this study noted that this variant resulted in an amino acid substitution with similar biochemical properties, thus the impact of this variant on protein function could not be speculated on. This variant has not been reported in a large population database (gnomAD), indicating this variant is rare. At this time, the clinical significance of this variant is uncertain due to the absence of conclusive functional and genetic evidence.

NM_000055.4(BCHE):c.1386G>T (p.Met462Ile)

Gene: BCHE (butyrylcholinesterase; minus strand). Cytogenetic location: 3q26.1.
Variant type: single nucleotide variant.
Coding change: c.1386G>T on transcript NM_000055.4 (MANE Select); coding-DNA position 1386, G replaced by T.
Protein change: p.Met462Ile; replaces methionine 462 with isoleucine.
Molecular consequence: missense variant. On other transcripts: non-coding transcript variant (1).
Genome position (GRCh38, 1-based): chr3:165,829,648, C>A on the plus strand (G>T on the coding strand, the complement: BCHE is on the minus strand). VCF-style: chr3-165829648-C-A. GRCh37 (hg19) VCF-style: chr3-165547436-C-A.
Other names: short protein forms M462I.
Identifiers: ClinVar variation 4984994 (VCV004984994.1).